The following is an entry in ClinVar:

NM_001379500.1(COL18A1):c.3407G>A (p.Gly1136Glu)

Genes: COL18A1 (collagen type XVIII alpha 1 chain; plus strand), SLC19A1 (solute carrier family 19 member 1; minus strand). Cytogenetic location: 21q22.3.
Variant type: single nucleotide variant.
Coding change: c.3407G>A on transcript NM_001379500.1 (MANE Select); coding-DNA position 3407, G replaced by A.
Protein change: p.Gly1136Glu; replaces glycine 1136 with glutamic acid.
Molecular consequence: missense variant.
Genome position (GRCh38, 1-based): chr21:45,509,513, G>A. VCF-style: chr21-45509513-G-A. GRCh37 (hg19) VCF-style: chr21-46929427-G-A.
Other names: c.3938G>A, p.Gly1313Glu (NM_030582.4); c.4643G>A, p.Gly1548Glu (NM_130444.3); c.3938G>A (NM_030582.3); short protein forms G1548E, G1313E, G1136E.
Identifiers: ClinVar variation 809299 (VCV000809299.47), dbSNP rs750182809, ClinGen allele CA10067879.

ClinVar aggregate classification (germline): Uncertain significance. Review status: criteria provided, multiple submitters, no conflicts (2 of 4 stars). 4 submissions from 4 submitters: Uncertain significance (4). Last evaluated 2025-08-20.

Conditions:
COL18A1-related disorder. Also called: COL18A1-related disorders; COL18A1-related condition.

Allele frequency attached by ClinVar (database versions not stated): gnomAD 0.00001; gnomAD exomes 0.00002; TOPMed 0.00002; ExAC 0.00006.
gnomAD v4.1: 44 of 1,534,330 alleles (0.0029%); highest among the groups gnomAD compares: Middle Eastern, 0.018%; no homozygotes.

Submissions (4):

PreventionGenetics, part of Exact Sciences
Classification: Uncertain significance for COL18A1-related condition. Last evaluated: 2025-08-20. Review status: criteria provided, single submitter. Criteria: ACMG Guidelines, 2015. Collection method: clinical testing. Allele origin: germline.
Comment: The COL18A1 c.3938G>A variant is predicted to result in the amino acid substitution p.Gly1313Glu. To our knowledge, this variant has not been reported in the literature. This variant is reported in 0.0042% of alleles in individuals of South Asian descent in gnomAD. At this time, the clinical significance of this variant is uncertain due to the absence of conclusive functional and genetic evidence.

Blueprint Genetics
Classification: Uncertain significance. Last evaluated: 2024-05-07. Review status: criteria provided, single submitter. Criteria: ACMG Guidelines, 2015. Collection method: clinical testing. Allele origin: germline.

Labcorp Genetics (formerly Invitae), Labcorp
Classification: Uncertain significance. Last evaluated: 2022-10-17. Review status: criteria provided, single submitter. Criteria: Invitae Variant Classification Sherloc (09022015). Collection method: clinical testing. Allele origin: germline.
Comment: This sequence change replaces glycine, which is neutral and non-polar, with glutamic acid, which is acidic and polar, at codon 1133 of the COL18A1 protein (p.Gly1133Glu). The frequency data for this variant in the population databases is considered unreliable, as metrics indicate poor data quality at this position in the gnomAD database. This variant has not been reported in the literature in individuals affected with COL18A1-related conditions. ClinVar contains an entry for this variant (Variation ID: 809299). Experimental studies and prediction algorithms are not available or were not evaluated, and the functional significance of this variant is currently unknown. In summary, the available evidence is currently insufficient to determine the role of this variant in disease. Therefore, it has been classified as a Variant of Uncertain Significance.

CeGaT Center for Human Genetics Tuebingen
Classification: Uncertain significance. Last evaluated: 2019-03-01. Review status: criteria provided, single submitter. Criteria: CeGaT Center For Human Genetics Tuebingen Variant Classification Criteria Version 2. Collection method: clinical testing. Allele origin: germline. Affected: yes. Observed: 1 variant allele.